The following is an entry in ClinVar:

ClinVar aggregate classification (germline): Pathogenic (1 of 4 stars; one submission).

Conditions:
Werner syndrome (WRN). Identifiers: Orphanet 902, MedGen C0043119, MONDO:0010196, OMIM 277700.

Submission:

Labcorp Genetics (formerly Invitae), Labcorp
Classification: Pathogenic for Werner syndrome. Last evaluated: 2021-08-06. Review status: criteria provided, single submitter. Criteria: Invitae Variant Classification Sherloc (09022015). Collection method: clinical testing. Allele origin: germline.
Comment: This variant is a gross deletion of the genomic region encompassing exon(s) 7 of the WRN gene. This deletion is out-of-frame, and is expected to create a premature termination codon and result in an absent or disrupted protein product. Loss-of-function variants in WRN are known to be pathogenic (PMID: 16673358). This variant has not been reported in the literature in individuals affected with WRN-related conditions. For these reasons, this variant has been classified as Pathogenic.

Literature cited by the submitters: PubMed 16673358.

NC_000008.10:g.(?_30925764)_(30925853_?)del

Gene: WRN (WRN RecQ like helicase; plus strand). Cytogenetic location: 8p12.
Variant type: Deletion.
Identifiers: ClinVar variation 1455128 (VCV001455128.4).